The following is an entry in ClinVar:

ClinVar aggregate classification (germline): Uncertain significance (1 of 4 stars; one submission).

Allele frequency attached by ClinVar (database versions not stated): TOPMed below 0.00001.

Submission:

GeneDx
Classification: Uncertain significance. Last evaluated: 2022-05-31. Review status: criteria provided, single submitter. Criteria: GeneDx Variant Classification Process June 2021. Collection method: clinical testing. Allele origin: germline. Affected: yes.
Comment: Not observed at significant frequency in large population cohorts (gnomAD); In silico analysis supports that this missense variant has a deleterious effect on protein structure/function; Has not been previously published as pathogenic or benign to our knowledge

NM_006035.4(CDC42BPB):c.2323A>C (p.Lys775Gln)

Gene: CDC42BPB (CDC42 binding protein kinase beta; minus strand). Cytogenetic location: 14q32.32.
Variant type: single nucleotide variant.
Coding change: c.2323A>C on transcript NM_006035.4 (MANE Select); coding-DNA position 2323, A replaced by C.
Protein change: p.Lys775Gln; replaces lysine 775 with glutamine.
Molecular consequence: missense variant.
Genome position (GRCh38, 1-based): chr14:102,968,276, T>G on the plus strand (A>C on the coding strand, the complement: CDC42BPB is on the minus strand). VCF-style: chr14-102968276-T-G. GRCh37 (hg19) VCF-style: chr14-103434613-T-G.
Other names: c.2323A>C, p.Lys775Gln (NM_001411054.1); short protein forms K775Q.
Identifiers: ClinVar variation 1802064 (VCV001802064.1), dbSNP rs1893310790, ClinGen allele CA391085692.